The following is an entry in ClinVar:

ClinVar aggregate classification (germline): Uncertain significance. Review status: criteria provided, multiple submitters, no conflicts (2 of 4 stars). 2 submissions from 2 submitters: Uncertain significance (2). Last evaluated 2024-09-01.

Allele frequency attached by ClinVar (database versions not stated): TOPMed 0.00003; ExAC 0.00004; gnomAD 0.00004 and 0.00005.

Submissions (2):

Ambry Genetics
Classification: Uncertain significance. Last evaluated: 2024-09-01. Review status: criteria provided, single submitter. Criteria: Ambry Variant Classification Scheme 2023. Collection method: clinical testing. Allele origin: germline.

Labcorp Genetics (formerly Invitae), Labcorp
Classification: Uncertain significance. Last evaluated: 2021-09-19. Review status: criteria provided, single submitter. Criteria: Invitae Variant Classification Sherloc (09022015). Collection method: clinical testing. Allele origin: germline.
Comment: This sequence change replaces arginine with histidine at codon 196 of the C8A protein (p.Arg196His). The arginine residue is moderately conserved and there is a small physicochemical difference between arginine and histidine. This variant is present in population databases (rs758167128, ExAC 0.01%). This variant has not been reported in the literature in individuals affected with C8A-related conditions. Algorithms developed to predict the effect of missense changes on protein structure and function output the following: SIFT: "Tolerated"; PolyPhen-2: "Benign"; Align-GVGD: "Class C0". The histidine amino acid residue is found in multiple mammalian species, which suggests that this missense change does not adversely affect protein function. In summary, the available evidence is currently insufficient to determine the role of this variant in disease. Therefore, it has been classified as a Variant of Uncertain Significance.

NM_000562.3(C8A):c.587G>A (p.Arg196His)

Gene: C8A (complement C8 alpha chain; plus strand). Cytogenetic location: 1p32.2.
Variant type: single nucleotide variant.
Coding change: c.587G>A on transcript NM_000562.3 (MANE Select); coding-DNA position 587, G replaced by A.
Protein change: p.Arg196His; replaces arginine 196 with histidine.
Molecular consequence: missense variant.
Genome position (GRCh38, 1-based): chr1:56,881,567, G>A. VCF-style: chr1-56881567-G-A. GRCh37 (hg19) VCF-style: chr1-57347240-G-A.
Other names: c.587G>A (NM_000562.2); short protein forms R196H.
Identifiers: ClinVar variation 1420256 (VCV001420256.4), dbSNP rs758167128, ClinGen allele CA875087.